The following is an entry in ClinVar:

ClinVar aggregate classification (germline): Uncertain significance. Review status: criteria provided, multiple submitters, no conflicts (2 of 4 stars). 2 submissions from 2 submitters: Uncertain significance (2). Last evaluated 2025-08-30.

Submissions (2):

Ambry Genetics
Classification: Uncertain significance. Last evaluated: 2025-08-30. Review status: criteria provided, single submitter. Criteria: Ambry Variant Classification Scheme 2023. Collection method: clinical testing. Allele origin: germline.

Labcorp Genetics (formerly Invitae), Labcorp
Classification: Uncertain significance. Last evaluated: 2022-12-06. Review status: criteria provided, single submitter. Criteria: Invitae Variant Classification Sherloc (09022015). Collection method: clinical testing. Allele origin: germline.
Comment: In summary, the available evidence is currently insufficient to determine the role of this variant in disease. Therefore, it has been classified as a Variant of Uncertain Significance. Advanced modeling of protein sequence and biophysical properties (such as structural, functional, and spatial information, amino acid conservation, physicochemical variation, residue mobility, and thermodynamic stability) performed at Invitae indicates that this missense variant is not expected to disrupt KPNA7 protein function. This variant has not been reported in the literature in individuals affected with KPNA7-related conditions. This variant is not present in population databases (gnomAD no frequency). This sequence change replaces leucine, which is neutral and non-polar, with methionine, which is neutral and non-polar, at codon 372 of the KPNA7 protein (p.Leu372Met).

NM_001145715.3(KPNA7):c.1114T>A (p.Leu372Met)

Gene: KPNA7 (karyopherin subunit alpha 7; minus strand). Cytogenetic location: 7q22.1.
Variant type: single nucleotide variant.
Coding change: c.1114T>A on transcript NM_001145715.3 (MANE Select); coding-DNA position 1114, T replaced by A.
Protein change: p.Leu372Met; replaces leucine 372 with methionine.
Molecular consequence: missense variant.
Genome position (GRCh38, 1-based): chr7:99,184,949, A>T on the plus strand (T>A on the coding strand, the complement: KPNA7 is on the minus strand). VCF-style: chr7-99184949-A-T. GRCh37 (hg19) VCF-style: chr7-98782572-A-T.
Other names: c.1114T>A (NM_001145715.1); short protein forms L372M.
Identifiers: ClinVar variation 2037688 (VCV002037688.3), dbSNP rs2535424614, ClinGen allele CA368419096.